The following is an entry in ClinVar:

NM_003412.4(ZIC1):c.1289A>G (p.His430Arg)

Gene: ZIC1 (Zic family zinc finger 1; plus strand). Cytogenetic location: 3q24.
Variant type: single nucleotide variant.
Coding change: c.1289A>G on transcript NM_003412.4 (MANE Select); coding-DNA position 1289, A replaced by G.
Protein change: p.His430Arg; replaces histidine 430 with arginine.
Molecular consequence: missense variant.
Genome position (GRCh38, 1-based): chr3:147,413,496, A>G. VCF-style: chr3-147413496-A-G. GRCh37 (hg19) VCF-style: chr3-147131283-A-G.
Other names: short protein forms H430R.
Identifiers: ClinVar variation 4699883 (VCV004699883.1).

ClinVar aggregate classification (germline): Uncertain significance (1 of 4 stars; one submission).

gnomAD v4.1: 5 of 1,614,112 alleles (0.00031%); highest among the groups gnomAD compares: Admixed American, 0.0017%; no homozygotes.

Submission:

Labcorp Genetics (formerly Invitae), Labcorp
Classification: Uncertain significance. Last evaluated: 2026-02-01. Review status: criteria provided, single submitter. Criteria: Invitae Variant Classification Sherloc (09022015). Collection method: clinical testing. Allele origin: germline.
Comment: This sequence change replaces histidine, which is basic and polar, with arginine, which is basic and polar, at codon 430 of the ZIC1 protein (p.His430Arg). This variant is not present in population databases (gnomAD no frequency). This variant has not been reported in the literature in individuals affected with ZIC1-related conditions. An algorithm developed to predict the effect of missense changes on protein structure and function (PolyPhen-2) suggests that this variant is likely to be disruptive. In summary, the available evidence is currently insufficient to determine the role of this variant in disease. Therefore, it has been classified as a Variant of Uncertain Significance.